The following is an entry in ClinVar:

NM_001042492.3(NF1):c.3198-13_3198-4del

Gene: NF1 (neurofibromin 1; plus strand). Cytogenetic location: 17q11.2.
Variant type: Deletion.
Coding change: c.3198-13_3198-4del on transcript NM_001042492.3 (MANE Select); 13 bases into the intron before coding-DNA position 3198 through 4 bases into the intron before coding-DNA position 3198, 10 bases deleted (TTTTTTTTTT; older notation c.3198-13_3198-4delTTTTTTTTTT).
Molecular consequence: intron variant.
Genome position (GRCh38, 1-based): chr17:31,232,060-31,232,069, TTTTTTTTTT deleted; deleting any 10 consecutive bases within chr17:31,232,044-31,232,069 gives the same sequence; the c. name uses the placement nearest the transcript's 3' end. VCF-style (leftmost placement, unchanged base first): chr17-31232043-ATTTTTTTTTT-A. GRCh37 (hg19) VCF-style: chr17-29559061-ATTTTTTTTTT-A.
Other names: c.3198-13_3198-4del10 (NM_000267.3); c.3198-13_3198-4del (NM_000267.4).
Identifiers: ClinVar variation 3048484 (VCV003048484.3), dbSNP rs371047262, ClinGen allele CA289337496.
Genomic context (GRCh38, chr17:31,232,043, plus strand): 5'-TGTTAGTAAGAGGTTTATTTGAGGGGAAGTGAAAGAACTTGAAAGATTCATGGTCTCTAA[ATTTTTTTTTT>A]TTTTTTTTTTTTTTTTCAGAGATTTGGACCAGGCAAGCATGGAAGCAGTAGTTTCACTTC-3'

ClinVar aggregate classification (germline): Likely benign. Review status: criteria provided, single submitter (1 of 4 stars). 2 submissions from 2 submitters: Likely benign (1). 1 of the submissions does not count toward it. Last evaluated 2025-02-27.

Conditions:
NF1-related disorder. Also called: NF1-related condition. Identifiers: MedGen CN379171.
Cardiovascular phenotype. Identifiers: MedGen CN230736.
Hereditary cancer-predisposing syndrome. Also called: Neoplastic Syndromes, Hereditary; Tumor predisposition; Hereditary neoplastic syndrome; Hereditary Cancer Syndrome. Identifiers: Orphanet 140162, MedGen C0027672, MeSH D009386, MONDO:0015356.

Submissions (2):

Ambry Genetics
Classification: Likely benign for Cardiovascular phenotype; Hereditary cancer-predisposing syndrome. Last evaluated: 2025-02-27. Review status: criteria provided, single submitter. Criteria: Ambry Variant Classification Scheme 2023. Collection method: clinical testing. Allele origin: germline.

PreventionGenetics, part of Exact Sciences
Classification: Likely benign for NF1-related condition. Last evaluated: 2020-07-14. Review status: no assertion criteria provided. Collection method: clinical testing. Allele origin: germline. Not counted in ClinVar's aggregate classification.
Comment: This variant is classified as likely benign based on ACMG/AMP sequence variant interpretation guidelines (Richards et al. 2015 PMID: 25741868, with internal and published modifications).